The following is an entry in ClinVar:

ClinVar aggregate classification (germline): Pathogenic (1 of 4 stars; one submission).

Conditions:
Familial adenomatous polyposis 1 (FAP1). Also called: POLYPOSIS, ADENOMATOUS INTESTINAL; FAMILIAL ADENOMATOUS POLYPOSIS 1, ATTENUATED. Identifiers: MedGen C2713442, MONDO:0021056, OMIM 175100. Disease mechanism: loss of function.

Submission:

Labcorp Genetics (formerly Invitae), Labcorp
Classification: Pathogenic for Familial adenomatous polyposis 1. Last evaluated: 2022-01-26. Review status: criteria provided, single submitter. Criteria: Invitae Variant Classification Sherloc (09022015). Collection method: clinical testing. Allele origin: germline.
Comment: This sequence change inserts a large fragment of DNA, likely a transposable element, in exon 4 of the APC gene (c.280_281ins?), causing a frameshift at codon 94 (p.Arg94fs). The exact size and sequence of the insertion cannot be determined by the current assay. However, the insertion is expected to result in an absent or disrupted protein product. This variant is not present in population databases (gnomAD no frequency). This variant has not been reported in the literature in individuals affected with APC-related conditions. Algorithms developed to predict the effect of sequence changes on RNA splicing suggest that this variant may create or strengthen a splice site. For these reasons, this variant has been classified as Pathogenic. Retrotransposon insertions including LINE1 (L1), Alu, and SVA (SINE-VNTR-Alu) have been reported to be disease-causing through disruption of either a coding region or splice site (PMID: 19763152, 20307669, 22406018) and loss-of-function variants in APC are known to be pathogenic (PMID: 17963004, 20685668).

Literature cited by the submitters: PubMed 19763152; PubMed 20307669; PubMed 22406018; PubMed 17963004; PubMed 20685668.

NM_000038.6(APC):c.280_281insTGGAGGAAATTGGACACCATCATTCTCAGTAAACTATCGCACGAACAAAAAACCAAACACCGCATCGTCTCAGTCNNNNNNNNNNAAAAAAAAAAAAAAAAAAAAAAAAATGTCCCTCC (p.Arg94delinsLeuGluGluIleGlyHisHisHisSerGlnTer)

Gene: APC (APC regulator of Wnt signaling pathway; plus strand). Cytogenetic location: 5q22.2.
Variant type: Microsatellite.
Coding change: c.280_281insTGGAGGAAATTGGACACCATCATTCTCAGTAAACTATCGCACGAACAAAAAACCAAACACCGCATCGTCTCAGTCNNNNNNNNNNAAAAAAAAAAAAAAAAAAAAAAAAATGTCCCTCC on transcript NM_000038.6 (MANE Select); coding-DNA positions 280 to 281, TGGAGGAAATTGGACACCATCATTCTCAGTAAACTATCGCACGAACAAAAAACCAAACACCGCATCGTCTCAGTCNNNNNNNNNNAAAAAAAAAAAAAAAAAAAAAAAAATGTCCCTCC inserted.
Protein change: p.Arg94delinsLeuGluGluIleGlyHisHisHisSerGlnTer.
Molecular consequence: nonsense. On other transcripts: 5 prime UTR variant (1).
Genome position: GRCh38: chr5:112,767,235-112,767,248. GRCh37 (hg19): chr5:112,102,932-112,102,945.
Other names: c.280_281insTGGAGGAAATTGGACACCATCATTCTCAGTAAACTATCGCACGAACAAAAAACCAAACACCGCATCGTCTCAGTCNNNNNNNNNNAAAAAAAAAAAAAAAAAAAAAAAAATGTCCCTCC, p.Arg94delinsLeuGluGluIleGlyHisHisHisSerGlnTer (NM_001127510.3, NM_001354895.2, NM_001354896.2 and 2 more transcripts); c.310_311insTGGAGGAAATTGGACACCATCATTCTCAGTAAACTATCGCACGAACAAAAAACCAAACACCGCATCGTCTCAGTCNNNNNNNNNNAAAAAAAAAAAAAAAAAAAAAAAAATGTCCCTCC, p.Arg104delinsLeuGluGluIleGlyHisHisHisSerGlnTer (NM_001127511.3, NM_001354897.2, NM_001354902.2); c.205_206insTGGAGGAAATTGGACACCATCATTCTCAGTAAACTATCGCACGAACAAAAAACCAAACACCGCATCGTCTCAGTCNNNNNNNNNNAAAAAAAAAAAAAAAAAAAAAAAAATGTCCCTCC, p.Arg69delinsLeuGluGluIleGlyHisHisHisSerGlnTer (NM_001354898.2, NM_001354904.2); c.103_104insTGGAGGAAATTGGACACCATCATTCTCAGTAAACTATCGCACGAACAAAAAACCAAACACCGCATCGTCTCAGTCNNNNNNNNNNAAAAAAAAAAAAAAAAAAAAAAAAATGTCCCTCC, p.Arg35delinsLeuGluGluIleGlyHisHisHisSerGlnTer (NM_001354900.2, NM_001354901.2, NM_001354905.2); c.-769_-756A[5]TGTCCCTCCTGGAGGAAATTGGACACCATCATTCTCAGTAAACTATCGCACGAACAAAAAACCAAACACCGCATCGTCTCAGTCNNNNNNNNNNAAAAAAAAAAAAAAAAAAAAAAAAATGTCCCTCC[1] (NM_001354906.2).
Identifiers: ClinVar variation 1456675 (VCV001456675.6).